The following is an entry in ClinVar:

ClinVar aggregate classification (germline): Uncertain significance. Review status: criteria provided, multiple submitters, no conflicts (2 of 4 stars). 2 submissions from 2 submitters: Uncertain significance (2). Last evaluated 2025-02-23.

Conditions:
Inborn genetic diseases. Identifiers: MedGen C0950123, MeSH D030342.

Allele frequency attached by ClinVar (database versions not stated): ExAC 0.00001; gnomAD 0.00002; TOPMed 0.00002; 1000 Genomes Project 30x 0.00016.
gnomAD v4.1: 24 of 1,613,994 alleles (0.0015%); highest among the groups gnomAD compares: East Asian, 0.0022%; no homozygotes.

Submissions (2):

Ambry Genetics
Classification: Uncertain significance for Inborn genetic diseases. Last evaluated: 2025-02-23. Review status: criteria provided, single submitter. Criteria: Ambry Variant Classification Scheme 2023. Collection method: clinical testing. Allele origin: germline.

Labcorp Genetics (formerly Invitae), Labcorp
Classification: Uncertain significance. Last evaluated: 2022-03-29. Review status: criteria provided, single submitter. Criteria: Invitae Variant Classification Sherloc (09022015). Collection method: clinical testing. Allele origin: germline.
Comment: This sequence change replaces glutamine, which is neutral and polar, with proline, which is neutral and non-polar, at codon 2154 of the PCLO protein (p.Gln2154Pro). This variant is present in population databases (rs764773229, gnomAD 0.007%). This variant has not been reported in the literature in individuals affected with PCLO-related conditions. Algorithms developed to predict the effect of missense changes on protein structure and function are either unavailable or do not agree on the potential impact of this missense change (SIFT: "Tolerated"; PolyPhen-2: "Not Available"; Align-GVGD: "Class C0"). In summary, the available evidence is currently insufficient to determine the role of this variant in disease. Therefore, it has been classified as a Variant of Uncertain Significance.

NM_033026.6(PCLO):c.6461A>C (p.Gln2154Pro)

Gene: PCLO (piccolo presynaptic cytomatrix protein; minus strand). Cytogenetic location: 7q21.11.
Variant type: single nucleotide variant.
Coding change: c.6461A>C on transcript NM_033026.6 (MANE Select); coding-DNA position 6461, A replaced by C.
Protein change: p.Gln2154Pro; replaces glutamine 2154 with proline.
Molecular consequence: missense variant.
Genome position (GRCh38, 1-based): chr7:82,954,492, T>G on the plus strand (A>C on the coding strand, the complement: PCLO is on the minus strand). VCF-style: chr7-82954492-T-G. GRCh37 (hg19) VCF-style: chr7-82583808-T-G.
Other names: c.6461A>C (NM_033026.5); c.6461A>C, p.Gln2154Pro (NM_014510.3); short protein forms Q2154P.
Identifiers: ClinVar variation 2421544 (VCV002421544.7), dbSNP rs764773229, ClinGen allele CA4320466.